The following is an entry in ClinVar:

NM_005912.3(MC4R):c.660G>C (p.Arg220Ser)

Gene: MC4R (melanocortin 4 receptor; minus strand). Cytogenetic location: 18q21.32.
Variant type: single nucleotide variant.
Coding change: c.660G>C on transcript NM_005912.3 (MANE Select); coding-DNA position 660, G replaced by C.
Protein change: p.Arg220Ser; replaces arginine 220 with serine.
Molecular consequence: missense variant.
Genome position (GRCh38, 1-based): chr18:60,371,690, C>G on the plus strand (G>C on the coding strand, the complement: MC4R is on the minus strand). VCF-style: chr18-60371690-C-G. GRCh37 (hg19) VCF-style: chr18-58038923-C-G.
Other names: short protein forms R220S.
Identifiers: ClinVar variation 3356062 (VCV003356062.1).

ClinVar aggregate classification (germline): Uncertain significance (0 of 4 stars; one submission).

Conditions:
MC4R-related disorder. Also called: MC4R-related condition.

gnomAD v4.1: 11 of 1,614,146 alleles (0.00068%); highest among the groups gnomAD compares: South Asian, 0.012%; no homozygotes.

Submission:

PreventionGenetics, part of Exact Sciences
Classification: Uncertain significance for MC4R-related condition. Last evaluated: 2023-11-01. Review status: no assertion criteria provided. Collection method: clinical testing. Allele origin: germline.
Comment: The MC4R c.660G>C variant is predicted to result in the amino acid substitution p.Arg220Ser. To our knowledge, this variant has not been reported in the literature. This variant is reported in 0.016% of alleles in individuals of South Asian descent in gnomAD. At this time, the clinical significance of this variant is uncertain due to the absence of conclusive functional and genetic evidence.